The following is an entry in ClinVar:

NM_001048174.2(MUTYH):c.950C>A (p.Pro317His)

Gene: MUTYH (mutY DNA glycosylase; minus strand). Cytogenetic location: 1p34.1.
Variant type: single nucleotide variant.
Coding change: c.950C>A on transcript NM_001048174.2 (MANE Select); coding-DNA position 950, C replaced by A.
Protein change: p.Pro317His; replaces proline 317 with histidine.
Molecular consequence: missense variant. On other transcripts: non-coding transcript variant (2).
Genome position (GRCh38, 1-based): chr1:45,331,813, G>T on the plus strand (C>A on the coding strand, the complement: MUTYH is on the minus strand). VCF-style: chr1-45331813-G-T. GRCh37 (hg19) VCF-style: chr1-45797485-G-T.
Other names: c.950C>A, p.Pro317His (NM_001048171.2, NM_001048173.2, NM_001293195.2); c.953C>A, p.Pro318His (NM_001048172.2); c.1034C>A, p.Pro345His (NM_001128425.2); c.995C>A, p.Pro332His (NM_001293190.2); c.983C>A, p.Pro328His (NM_001293191.2); c.674C>A, p.Pro225His (NM_001293192.2, NM_001293196.2); c.605C>A, p.Pro202His (NM_001350650.2, NM_001350651.2); c.1025C>A, p.Pro342His (NM_012222.3); and 1 more; short protein forms P318H, P332H, P225H, P317H, P342H, P202H, P328H, P345H.
Identifiers: ClinVar variation 1372523 (VCV001372523.9), dbSNP rs2149129071, ClinGen allele CA340133810.

ClinVar aggregate classification (germline): Uncertain significance. Review status: criteria provided, multiple submitters, no conflicts (2 of 4 stars). 2 submissions from 2 submitters: Uncertain significance (2). Last evaluated 2025-08-27.

Conditions:
Familial adenomatous polyposis 2. Also called: Adenomas, multiple colorectal; MYH-associated polyposis; COLORECTAL ADENOMATOUS POLYPOSIS, AUTOSOMAL RECESSIVE; ADENOMAS, MULTIPLE COLORECTAL, AUTOSOMAL RECESSIVE; FAP type 2; MUTYH Polyposis. Identifiers: Orphanet 220460, Orphanet 247798, MedGen C3272841, MONDO:0012041, OMIM 608456.
Hereditary cancer-predisposing syndrome. Also called: Tumor predisposition; Neoplastic Syndromes, Hereditary; Hereditary Cancer Syndrome; Hereditary neoplastic syndrome. Identifiers: Orphanet 140162, MedGen C0027672, MeSH D009386, MONDO:0015356.

Submissions (2):

Ambry Genetics
Classification: Uncertain significance for Hereditary cancer-predisposing syndrome. Last evaluated: 2025-08-27. Review status: criteria provided, single submitter. Criteria: Ambry Variant Classification Scheme 2023. Collection method: clinical testing. Allele origin: germline.
Comment: The p.P345H variant (also known as c.1034C>A), located in coding exon 12 of the MUTYH gene, results from a C to A substitution at nucleotide position 1034. The proline at codon 345 is replaced by histidine, an amino acid with similar properties. This amino acid position is conserved. In addition, this alteration is predicted to be tolerated by in silico analysis. Based on the available evidence, the clinical significance of this variant remains unclear.

Labcorp Genetics (formerly Invitae), Labcorp
Classification: Uncertain significance for Familial adenomatous polyposis 2. Last evaluated: 2024-04-16. Review status: criteria provided, single submitter. Criteria: Invitae Variant Classification Sherloc (09022015). Collection method: clinical testing. Allele origin: germline.
Comment: This sequence change replaces proline, which is neutral and non-polar, with histidine, which is basic and polar, at codon 345 of the MUTYH protein (p.Pro345His). This variant is not present in population databases (gnomAD no frequency). This variant has not been reported in the literature in individuals affected with MUTYH-related conditions. ClinVar contains an entry for this variant (Variation ID: 1372523). Algorithms developed to predict the effect of missense changes on protein structure and function output the following: SIFT: "Not Available"; PolyPhen-2: "Benign"; Align-GVGD: "Not Available". The histidine amino acid residue is found in multiple mammalian species, which suggests that this missense change does not adversely affect protein function. In summary, the available evidence is currently insufficient to determine the role of this variant in disease. Therefore, it has been classified as a Variant of Uncertain Significance.